The following is an entry in ClinVar:

NM_001080426.3(STYXL2):c.2912_2913del (p.Thr971fs)

Gene: STYXL2 (serine/threonine/tyrosine interacting like 2; plus strand). Cytogenetic location: 1q24.1.
Variant type: Deletion.
Coding change: c.2912_2913del on transcript NM_001080426.3 (MANE Select); coding-DNA positions 2912 to 2913, 2 bases deleted (CA; older notation c.2912_2913delCA).
Protein change: p.Thr971fs; shifts the reading frame from threonine 971.
Molecular consequence: frameshift variant.
Genome position (GRCh38, 1-based): chr1:167,128,043-167,128,044, CA deleted; deleting any 2 consecutive bases within chr1:167,128,042-167,128,044 gives the same sequence; the c. name uses the placement nearest the transcript's 3' end. VCF-style (leftmost placement, unchanged base first): chr1-167128041-GAC-G. GRCh37 (hg19) VCF-style: chr1-167097278-GAC-G.
Other names: short protein forms T971fs.
Identifiers: ClinVar variation 928657 (VCV000928657.1), dbSNP rs572127797, ClinGen allele CA1225038.
Genomic context (GRCh38, chr1:167,128,041, plus strand): 5'-CCAAAGTGACTGGTCTGGAAGTTCCAGAGGGAAGTACACCAGATCGTCCCTGCTCAGGGA[GAC>G]AGAGTCTAAATCCTCCAGTTACAAGTTTTCCAAATCCCAGTCAGAGGAACAGGACACCTC-3'

ClinVar aggregate classification (germline): Uncertain significance (1 of 4 stars; one submission).

Submission:

Women's Health and Genetics/Laboratory Corporation of America, LabCorp
Classification: Uncertain significance. Last evaluated: 2019-06-18. Review status: criteria provided, single submitter. Criteria: LabCorp Variant Classification Summary - May 2015. Collection method: clinical testing. Allele origin: germline.
Comment: Variant summary: DUSP27 c.2912_2913delCA (p.Thr971ArgfsX3) results in a premature termination codon, predicted to cause a truncation of the encoded protein or absence of the protein due to nonsense mediated decay. A functional study utilizing a zebrafish model determined that loss of the DUSP27 gene results in severe disorganization of the contractile apparatus in muscle fibers (Fero_2014; PMID: 24203884). However, the role of DUSP27 in human disease remains unclear due to no available information currently in external genetic databases such as OMIM, HGMD, GeneReviews, or ClinVar. The variant allele was found at a frequency of 0.00064 in 251470 control chromosomes, predominantly at a frequency of 0.001 within the Non-Finnish European subpopulation in the gnomAD database. To our knowledge, no occurrence of c.2912_2913delCA in individuals affected with DUSP27-Related Disorders and no experimental evidence demonstrating its impact on protein function have been reported. No clinical diagnostic laboratories have submitted clinical-significance assessments for this variant to ClinVar after 2014. Based on the evidence outlined above, the variant was classified as uncertain significance until additional information such as functional and/or clinical studies becomes available.